The following is an entry in ClinVar:

NM_138694.4(PKHD1):c.5683_5684insTATAAGAGACAGT (p.Glu1895delinsValTer)

Gene: PKHD1 (PKHD1 ciliary IPT domain containing fibrocystin/polyductin; minus strand). Cytogenetic location: 6p12.2.
Variant type: Insertion.
Coding change: c.5683_5684insTATAAGAGACAGT on transcript NM_138694.4 (MANE Select); coding-DNA positions 5683 to 5684, TATAAGAGACAGT inserted.
Protein change: p.Glu1895delinsValTer.
Molecular consequence: nonsense.
Genome position: GRCh38 VCF-style: chr6-52010376-T-TACTGTCTCTTATA. GRCh37 (hg19) VCF-style: chr6-51875174-T-TACTGTCTCTTATA.
Other names: c.5683_5684insTATAAGAGACAGT, p.Glu1895delinsValTer (NM_170724.3).
Identifiers: ClinVar variation 5012315 (VCV005012315.1).

ClinVar aggregate classification (germline): Pathogenic (1 of 4 stars; one submission).

Conditions:
Polycystic kidney disease 4 (PKD4). Also called: POLYCYSTIC KIDNEY AND HEPATIC DISEASE 1; POLYCYSTIC KIDNEY DISEASE, INFANTILE, TYPE I; POLYCYSTIC KIDNEY DISEASE 4 WITH OR WITHOUT POLYCYSTIC LIVER DISEASE; PKD3; Autosomal Recessive Polycystic Kidney Disease – PKHD1. Identifiers: MedGen C4540575, MONDO:0033004, OMIM 263200.

Submission:

Myriad Genetics, Inc.
Classification: Pathogenic for Polycystic kidney disease 4. Last evaluated: 2023-09-27. Review status: criteria provided, single submitter. Criteria: Myriad Autosomal Dominant, Autosomal Recessive and X-Linked Classification Criteria (2023). Collection method: clinical testing. Allele origin: unknown.
Comment: NM_138694.3(PKHD1):c.5683_5684ins13(E1895Vfs*2) is expected to be pathogenic in the context of autosomal recessive polycystic kidney disease, PKHD1-related. This variant is predicted to lead to an abnormal or absent protein product due to the creation of a premature termination codon in PKHD1, a gene where loss-of-function variants are known to be pathogenic. Please note: this variant was assessed in the context of healthy population screening.